The following is an entry in ClinVar:

NC_000016.9:g.(?_23543958)_(23619353_?)del

Genes: EARS2 (glutamyl-tRNA synthetase 2, mitochondrial; minus strand), NDUFAB1 (NADH:ubiquinone oxidoreductase subunit AB1; minus strand), PALB2 (partner and localizer of BRCA2; minus strand), UBFD1 (ubiquitin family domain containing 1; plus strand). Cytogenetic location: 16p12.2.
Variant type: Deletion.
Identifiers: ClinVar variation 2423670 (VCV002423670.3).

ClinVar aggregate classification (germline): Pathogenic (1 of 4 stars; one submission).

Submission:

Labcorp Genetics (formerly Invitae), Labcorp
Classification: Pathogenic. Last evaluated: 2022-02-19. Review status: criteria provided, single submitter. Criteria: Invitae Variant Classification Sherloc (09022015). Collection method: clinical testing. Allele origin: germline.
Comment: This variant is a gross deletion of the genomic region encompassing exon(s) 1-5 of the EARS2 gene, which includes the initiator codon. This deletion extends beyond the assayed region for this gene and therefore may encompass additional genes. It is expected to result in an absent or disrupted protein product. Loss-of-function variants in EARS2 are known to be pathogenic (PMID: 22492562). For these reasons, this variant has been classified as Pathogenic. This variant has not been reported in the literature in individuals affected with EARS2-related conditions.

Literature cited by the submitters: PubMed 22492562.